The following is an entry in ClinVar:

ClinVar aggregate classification (germline): Uncertain significance. Review status: criteria provided, multiple submitters, no conflicts (2 of 4 stars). 2 submissions from 2 submitters: Uncertain significance (2). Last evaluated 2025-04-30.

Conditions:
Specific granule deficiency. Identifiers: Orphanet 169142, MedGen C0398593, MONDO:0009506.
Inborn genetic diseases. Identifiers: MedGen C0950123, MeSH D030342.

Allele frequency attached by ClinVar (database versions not stated): gnomAD 0.00001; gnomAD exomes 0.00003 and 0.00007; ExAC 0.00004; TOPMed 0.00004.
gnomAD v4.1: 20 of 1,613,828 alleles (0.0012%); highest among the groups gnomAD compares: Admixed American, 0.033%; no homozygotes.

Submissions (2):

Labcorp Genetics (formerly Invitae), Labcorp
Classification: Uncertain significance for Specific granule deficiency. Last evaluated: 2025-04-30. Review status: criteria provided, single submitter. Criteria: Invitae Variant Classification Sherloc (09022015). Collection method: clinical testing. Allele origin: germline.
Comment: This sequence change replaces isoleucine, which is neutral and non-polar, with threonine, which is neutral and polar, at codon 40 of the CEBPE protein (p.Ile40Thr). This variant is present in population databases (rs766049556, gnomAD 0.06%). This variant has not been reported in the literature in individuals affected with CEBPE-related conditions. ClinVar contains an entry for this variant (Variation ID: 1054898). An algorithm developed to predict the effect of missense changes on protein structure and function (PolyPhen-2) suggests that this variant is likely to be disruptive. In summary, the available evidence is currently insufficient to determine the role of this variant in disease. Therefore, it has been classified as a Variant of Uncertain Significance.

Ambry Genetics
Classification: Uncertain significance for Inborn genetic diseases. Last evaluated: 2021-07-20. Review status: criteria provided, single submitter. Criteria: Ambry Variant Classification Scheme 2023. Collection method: clinical testing. Allele origin: germline.

NM_001805.4(CEBPE):c.119T>C (p.Ile40Thr)

Gene: CEBPE (CCAAT enhancer binding protein epsilon; minus strand). Cytogenetic location: 14q11.2.
Variant type: single nucleotide variant.
Coding change: c.119T>C on transcript NM_001805.4 (MANE Select); coding-DNA position 119, T replaced by C.
Protein change: p.Ile40Thr; replaces isoleucine 40 with threonine.
Molecular consequence: missense variant.
Genome position (GRCh38, 1-based): chr14:23,118,973, A>G on the plus strand (T>C on the coding strand, the complement: CEBPE is on the minus strand). VCF-style: chr14-23118973-A-G. GRCh37 (hg19) VCF-style: chr14-23588182-A-G.
Other names: c.119T>C (NM_001805.2); short protein forms I40T.
Identifiers: ClinVar variation 1054898 (VCV001054898.6), dbSNP rs766049556, ClinGen allele CA7111289.